The following is an entry in ClinVar:

ClinVar aggregate classification (germline): Uncertain significance. Review status: criteria provided, multiple submitters, no conflicts (2 of 4 stars). 2 submissions from 2 submitters: Uncertain significance (2). Last evaluated 2019-09-05.

Conditions:
Hereditary cancer-predisposing syndrome. Also called: Neoplastic Syndromes, Hereditary; Tumor predisposition; Hereditary Cancer Syndrome; Hereditary neoplastic syndrome. Identifiers: Orphanet 140162, MedGen C0027672, MeSH D009386, MONDO:0015356.

Submissions (2):

Labcorp Genetics (formerly Invitae), Labcorp
Classification: Uncertain significance for Hereditary cancer-predisposing syndrome. Last evaluated: 2019-09-05. Review status: criteria provided, single submitter. Criteria: Invitae Variant Classification Sherloc (09022015). Collection method: clinical testing. Allele origin: germline.
Comment: In summary, the available evidence is currently insufficient to determine the role of this variant in disease. Therefore, it has been classified as a Variant of Uncertain Significance. Algorithms developed to predict the effect of missense changes on protein structure and function (SIFT, PolyPhen-2, Align-GVGD) all suggest that this variant is likely to be tolerated, but these predictions have not been confirmed by published functional studies and their clinical significance is uncertain. This sequence change replaces arginine with leucine at codon 726 of the RAD50 protein (p.Arg726Leu). The arginine residue is moderately conserved and there is a moderate physicochemical difference between arginine and leucine. This variant is not present in population databases (ExAC no frequency). This variant has not been reported in the literature in individuals with RAD50-related conditions. ClinVar contains an entry for this variant (Variation ID: 230787).

Ambry Genetics
Classification: Uncertain significance for Hereditary cancer-predisposing syndrome. Last evaluated: 2015-03-03. Review status: criteria provided, single submitter. Criteria: Ambry Autosomal Dominant and X-Linked criteria (10/2015). Collection method: clinical testing. Allele origin: germline. Observed: 1 variant allele.
Comment: The p.R726L variant (also known as c.2177G>T), located in coding exon 13 of the RAD50 gene, results from a G to T substitution at nucleotide position 2177. The arginine at codon 726 is replaced by leucine, an amino acid with dissimilar properties. In one study, this alteration was detected in 1/481 familial breast cancer cases (Tommiska J, Int. J. Cancer 2006 Jun; 118(11):2911-6). This variant was not reported in population based cohorts in the following databases: Database of Single Nucleotide Polymorphisms (dbSNP), NHLBI Exome Sequencing Project (ESP), and 1000 Genomes Project. In the ESP, this variant was not observed in 6503 samples (13006 alleles) with coverage at this position. To date, this alteration has been detected with an allele frequency of approximately 0.003% (greater than 40000 alleles tested) in our clinical cohort. This amino acid position is highly conserved in available vertebrate species. In addition, the in silico prediction for this alteration is inconclusive.Since supporting evidence is limited at this time, the clinical significance of p.R726L remains unclear.

Literature cited by the submitters: PubMed 16385572 (cited by Ambry Genetics).

NM_005732.4(RAD50):c.2177G>T (p.Arg726Leu)

Gene: RAD50 (RAD50 double strand break repair protein; plus strand). Cytogenetic location: 5q31.1.
Variant type: single nucleotide variant.
Coding change: c.2177G>T on transcript NM_005732.4 (MANE Select); coding-DNA position 2177, G replaced by T.
Protein change: p.Arg726Leu; replaces arginine 726 with leucine.
Molecular consequence: missense variant.
Genome position (GRCh38, 1-based): chr5:132,595,780, G>T. VCF-style: chr5-132595780-G-T. GRCh37 (hg19) VCF-style: chr5-131931472-G-T.
Other names: short protein forms R726L.
Identifiers: ClinVar variation 230787 (VCV000230787.13), dbSNP rs28903092, ClinGen allele CA10578555.